The following is an entry in ClinVar:

NM_015425.6(POLR1A):c.4398G>A (p.Val1466=)

Gene: POLR1A (RNA polymerase I subunit A; minus strand). Cytogenetic location: 2p11.2.
Variant type: single nucleotide variant.
Coding change: c.4398G>A on transcript NM_015425.6 (MANE Select); coding-DNA position 4398, G replaced by A.
Protein change: p.Val1466=; no amino-acid change (valine 1466 retained).
Molecular consequence: synonymous variant.
Genome position (GRCh38, 1-based): chr2:86,031,510, C>T on the plus strand (G>A on the coding strand, the complement: POLR1A is on the minus strand). VCF-style: chr2-86031510-C-T. GRCh37 (hg19) VCF-style: chr2-86258633-C-T.
Identifiers: ClinVar variation 2856446 (VCV002856446.3), dbSNP rs2466308444, ClinGen allele CA427442079.

ClinVar aggregate classification (germline): Uncertain significance (1 of 4 stars; one submission).

Allele frequency attached by ClinVar (database versions not stated): gnomAD exomes 0.00001.
gnomAD v4.1: 3 of 1,614,224 alleles (0.00019%); highest among the groups gnomAD compares: Admixed American, 0.0033%; no homozygotes.

Submission:

Labcorp Genetics (formerly Invitae), Labcorp
Classification: Uncertain significance. Last evaluated: 2023-05-24. Review status: criteria provided, single submitter. Criteria: Invitae Variant Classification Sherloc (09022015). Collection method: clinical testing. Allele origin: germline.
Comment: In summary, the available evidence is currently insufficient to determine the role of this variant in disease. Therefore, it has been classified as a Variant of Uncertain Significance. Algorithms developed to predict the effect of sequence changes on RNA splicing suggest that this variant may create or strengthen a splice site. This variant has not been reported in the literature in individuals affected with POLR1A-related conditions. This variant is not present in population databases (gnomAD no frequency). This sequence change affects codon 1466 of the POLR1A mRNA. It is a 'silent' change, meaning that it does not change the encoded amino acid sequence of the POLR1A protein.